The following is an entry in ClinVar:

NM_024675.4(PALB2):c.753_754del (p.Gln251fs)

Gene: PALB2 (partner and localizer of BRCA2; minus strand). Cytogenetic location: 16p12.2.
Variant type: Deletion.
Coding change: c.753_754del on transcript NM_024675.4 (MANE Select); coding-DNA positions 753 to 754, 2 bases deleted (GA; older notation c.753_754delGA).
Protein change: p.Gln251fs; shifts the reading frame from glutamine 251.
Molecular consequence: frameshift variant.
Genome position (GRCh38, 1-based): chr16:23,635,792-23,635,793, TC deleted on the plus strand (GA on the coding strand, the reverse complement: PALB2 is on the minus strand); deleting any 2 consecutive bases within chr16:23,635,792-23,635,794 gives the same sequence; the c. name uses the placement nearest the transcript's 3' end. VCF-style (leftmost placement, unchanged base first): chr16-23635791-GTC-G. GRCh37 (hg19) VCF-style: chr16-23647112-GTC-G.
Other names: c.692_693delAG, p.Gln231Hisfs (NM_001407296.1); c.752_753delAG, p.Gln251Hisfs (NM_001407297.1, NM_001407298.1, NM_001407299.1 and 3 more transcripts); c.-134_-133delAG (NM_001407304.1, NM_001407305.1, NM_001407306.1 and 5 more transcripts); c.753_754delGA (NM_024675.3); short protein forms Q251fs.
Identifiers: ClinVar variation 1759384 (VCV001759384.2), dbSNP rs2506500879, ClinGen allele CA1139771107.

ClinVar aggregate classification (germline): Pathogenic (1 of 4 stars; one submission).

Conditions:
Hereditary cancer-predisposing syndrome. Also called: Neoplastic Syndromes, Hereditary; Tumor predisposition; Hereditary Cancer Syndrome; Hereditary neoplastic syndrome. Identifiers: Orphanet 140162, MedGen C0027672, MeSH D009386, MONDO:0015356.

Submission:

Ambry Genetics
Classification: Pathogenic for Hereditary cancer-predisposing syndrome. Last evaluated: 2020-02-27. Review status: criteria provided, single submitter. Criteria: Ambry Variant Classification Scheme 2023. Collection method: clinical testing. Allele origin: germline.
Comment: The c.753_754delGA pathogenic mutation, located in coding exon 4 of the PALB2 gene, results from a deletion of two nucleotides at nucleotide positions 753 to 754, causing a translational frameshift with a predicted alternate stop codon (p.Q251Hfs*5). This alteration is expected to result in loss of function by premature protein truncation or nonsense-mediated mRNA decay. As such, this alteration is interpreted as a disease-causing mutation.